The following is an entry in ClinVar:

NM_001372044.2(SHANK3):c.2942del (p.Pro981fs)

Gene: SHANK3 (SH3 and multiple ankyrin repeat domains 3; plus strand). Cytogenetic location: 22q13.33.
Variant type: Deletion.
Coding change: c.2942del on transcript NM_001372044.2 (MANE Select); coding-DNA position 2942, one base deleted (C; older notation c.2942delC).
Protein change: p.Pro981fs; shifts the reading frame from proline 981.
Molecular consequence: frameshift variant.
Genome position (GRCh38, 1-based): chr22:50,720,550, C deleted; the last of 4 consecutive C bases (chr22:50,720,547-50,720,550); deleting any one gives the same sequence. VCF-style (leftmost placement, unchanged base first): chr22-50720546-GC-G. GRCh37 (hg19) VCF-style: chr22-51158974-GC-G.
Other names: c.2940del (NM_001372044.2); short protein forms P981fs.
Identifiers: ClinVar variation 5018877 (VCV005018877.1).

ClinVar aggregate classification (germline): Likely pathogenic (1 of 4 stars; one submission).

Conditions:
Phelan-McDermid syndrome. Also called: TELOMERIC 22q13 MONOSOMY SYNDROME; 22q13.3 deletion syndrome; Phelan-McDermid Syndrome-SHANK3 Related. Identifiers: Orphanet 48652, MedGen C1853490, MONDO:0011652, OMIM 606232.
Schizophrenia 15 (SCZD15). Also called: SCHIZOPHRENIA SUSCEPTIBILITY LOCUS, CHROMOSOME 22q13-RELATED. Identifiers: MedGen C3151380, MONDO:0013498, OMIM 613950.

Submission:

Juno Genomics, Hangzhou Juno Genomics, Inc
Classification: Likely pathogenic for Schizophrenia 15; Phelan-McDermid syndrome. Review status: criteria provided, single submitter. Criteria: ACMG Guidelines, 2015. Collection method: clinical testing. Allele origin: germline. Affected: yes.
Comment: Absent from controls (or at extremely low frequency if recessive) in Genome Aggregation Database.;Null variant in a gene where loss of function (LOF) is a known mechanism of disease.